The following is an entry in ClinVar:

NM_002691.4(POLD1):c.478C>T (p.His160Tyr)

Gene: POLD1 (DNA polymerase delta 1, catalytic subunit; plus strand). Cytogenetic location: 19q13.33.
Variant type: single nucleotide variant.
Coding change: c.478C>T on transcript NM_002691.4 (MANE Select); coding-DNA position 478, C replaced by T.
Protein change: p.His160Tyr; replaces histidine 160 with tyrosine.
Molecular consequence: missense variant. On other transcripts: non-coding transcript variant (1).
Genome position (GRCh38, 1-based): chr19:50,402,013, C>T. VCF-style: chr19-50402013-C-T. GRCh37 (hg19) VCF-style: chr19-50905270-C-T.
Other names: c.478C>T, p.His160Tyr (NM_001256849.1, NM_001308632.1); c.478C>T (NM_002691.2); short protein forms H160Y.
Identifiers: ClinVar variation 654001 (VCV000654001.10), dbSNP rs144770820, ClinGen allele CA9595759.

ClinVar aggregate classification (germline): Conflicting classifications of pathogenicity. Review status: criteria provided, conflicting classifications (1 of 4 stars). 2 submissions from 2 submitters: Uncertain significance (1); Likely benign (1). Last evaluated 2025-11-22.

Conditions:
POLD1-related polyposis and colorectal cancer syndrome (CRCS10). Also called: Colorectal cancer, susceptibility to, 10; Colorectal cancer 10; COLORECTAL CANCER, SUSCEPTIBILITY TO, ON CHROMOSOME 19q. Identifiers: Orphanet 220460, MedGen C2675481, MONDO:0012953, OMIM 612591.
Hereditary cancer-predisposing syndrome. Also called: Hereditary neoplastic syndrome; Tumor predisposition; Hereditary Cancer Syndrome; Neoplastic Syndromes, Hereditary. Identifiers: Orphanet 140162, MedGen C0027672, MeSH D009386, MONDO:0015356.

Allele frequency attached by ClinVar (database versions not stated): gnomAD exomes below 0.00001 and 0.00001; ExAC 0.00002; TOPMed 0.00003; gnomAD 0.00004; ESP Exome Variant Server 0.00008.
gnomAD v4.1: 10 of 1,614,008 alleles (0.00062%); highest among the groups gnomAD compares: African/African-American, 0.012%; no homozygotes.

Submissions (2):

Labcorp Genetics (formerly Invitae), Labcorp
Classification: Uncertain significance for POLD1-related polyposis and colorectal cancer syndrome. Last evaluated: 2025-11-22. Review status: criteria provided, single submitter. Criteria: Invitae Variant Classification Sherloc (09022015). Collection method: clinical testing. Allele origin: germline.
Comment: This sequence change replaces histidine, which is basic and polar, with tyrosine, which is neutral and polar, at codon 160 of the POLD1 protein (p.His160Tyr). This variant is present in population databases (rs144770820, gnomAD 0.01%). This variant has not been reported in the literature in individuals affected with POLD1-related conditions. ClinVar contains an entry for this variant (Variation ID: 654001). Invitae Evidence Modeling of protein sequence and biophysical properties (such as structural, functional, and spatial information, amino acid conservation, physicochemical variation, residue mobility, and thermodynamic stability) indicates that this missense variant is not expected to disrupt POLD1 protein function with a negative predictive value of 80%. In summary, the available evidence is currently insufficient to determine the role of this variant in disease. Therefore, it has been classified as a Variant of Uncertain Significance.

Ambry Genetics
Classification: Likely benign for Hereditary cancer-predisposing syndrome. Last evaluated: 2025-01-21. Review status: criteria provided, single submitter. Criteria: Ambry Variant Classification Scheme 2023. Collection method: clinical testing. Allele origin: germline.